The following is an entry in ClinVar:

ClinVar aggregate classification (germline): Conflicting classifications of pathogenicity. Review status: criteria provided, conflicting classifications (1 of 4 stars). 5 submissions from 4 submitters: Uncertain significance (1); Likely benign (3). 1 of the submissions does not count toward it. Last evaluated 2025-05-04.

Conditions:
GNE myopathy (NM). Also called: NONAKA DISTAL MYOPATHY; INCLUSION BODY MYOPATHY, HEREDITARY, AUTOSOMAL RECESSIVE; INCLUSION BODY MYOPATHY 2, AUTOSOMAL RECESSIVE; MYOPATHY, DISTAL, WITH OR WITHOUT RIMMED VACUOLES; IBM 2; Inclusion body myopathy autosomal recessive. Identifiers: Orphanet 602, MedGen C1853926, MONDO:0011603, OMIM 605820.
Sialuria. Also called: Sialic Acid Storage Disease; SIALURIA, FRENCH TYPE. Identifiers: Orphanet 3166, MedGen C0342853, MONDO:0010028, OMIM 269921.

Allele frequency attached by ClinVar (database versions not stated): gnomAD 0.00003 and 0.00004; gnomAD exomes 0.00004 and 0.00008; TOPMed 0.00004; ExAC 0.00005.
gnomAD v4.1: 127 of 1,614,092 alleles (0.0079%); highest among the groups gnomAD compares: Non-Finnish European, 0.01%; no homozygotes.

Submissions (5):

Labcorp Genetics (formerly Invitae), Labcorp
Classification: Likely benign for Sialuria; GNE myopathy. Last evaluated: 2025-05-04. Review status: criteria provided, single submitter. Criteria: Invitae Variant Classification Sherloc (09022015). Collection method: clinical testing. Allele origin: germline.

Blueprint Genetics
Classification: Likely benign. Last evaluated: 2024-11-26. Review status: criteria provided, single submitter. Criteria: ACMG Guidelines, 2015. Collection method: clinical testing. Allele origin: germline.

Illumina Laboratory Services, Illumina
Classification: Uncertain significance for GNE myopathy. Last evaluated: 2018-01-13. Review status: criteria provided, single submitter. Criteria: ICSL Variant Classification Criteria 13 December 2019. Collection method: clinical testing. Allele origin: germline.

Illumina Laboratory Services, Illumina
Classification: Likely benign for Sialuria. Last evaluated: 2018-01-13. Review status: criteria provided, single submitter. Criteria: ICSL Variant Classification Criteria 13 December 2019. Collection method: clinical testing. Allele origin: germline.
Comment: This variant was observed in the ICSL laboratory as part of a predisposition screen in an ostensibly healthy population. It had not been previously curated by ICSL or reported in the Human Gene Mutation Database (HGMD: prior to June 1st, 2018), and was therefore a candidate for classification through an automated scoring system. Utilizing variant allele frequency, disease prevalence and penetrance estimates, and inheritance mode, an automated score was calculated to assess if this variant is too frequent to cause the disease. Based on the score and internal cut-off values, a variant classified as likely benign is not then subjected to further curation. The score for this variant resulted in a classification of likely benign for this disease.

Natera, Inc.
Classification: Uncertain significance for Nonaka myopathy. Last evaluated: 2020-01-24. Review status: no assertion criteria provided. Collection method: clinical testing. Allele origin: germline. Not counted in ClinVar's aggregate classification.

NM_005476.7(GNE):c.1767A>G (p.Ala589=)

Gene: GNE (glucosamine (UDP-N-acetyl)-2-epimerase/N-acetylmannosamine kinase; minus strand). Cytogenetic location: 9p13.3.
Variant type: single nucleotide variant.
Coding change: c.1767A>G on transcript NM_005476.7 (MANE Select); coding-DNA position 1767, A replaced by G.
Protein change: p.Ala589=; no amino-acid change (alanine 589 retained).
Molecular consequence: synonymous variant.
Genome position (GRCh38, 1-based): chr9:36,219,887, T>C on the plus strand (A>G on the coding strand, the complement: GNE is on the minus strand). VCF-style: chr9-36219887-T-C. GRCh37 (hg19) VCF-style: chr9-36219884-T-C.
Other names: c.1860A>G, p.Ala620= (NM_001128227.3); c.1545A>G, p.Ala515= (NM_001190383.3); c.1437A>G, p.Ala479= (NM_001190384.3); c.1590A>G, p.Ala530= (NM_001190388.2, NM_001374798.1); c.1614A>G, p.Ala538= (NM_001374797.1).
Identifiers: ClinVar variation 859948 (VCV000859948.11), dbSNP rs777310871, ClinGen allele CA5056430.
Genomic context (GRCh38, chr9:36,219,887, plus strand): 5'-GGGACACCAACCATCATGGAGCTTTTTTGCCTCCCTCTGCAAGGCCATTCCAGAGGCGTA[T>C]GCTTCAATGCACCCATGGCTTCCACAGGAACAATCAGGCCCATCCAGAGACACAACAAGG-3'
Protein context (NP_005467.1, residues 579-599): CSCGSHGCIE[Ala589=]YASGMALQRE